The following is an entry in ClinVar:

NM_133433.4(NIPBL):c.4643+2T>G

Gene: NIPBL (NIPBL cohesin loading factor; plus strand). Cytogenetic location: 5p13.2.
Variant type: single nucleotide variant.
Coding change: c.4643+2T>G on transcript NM_133433.4 (MANE Select); the canonical splice donor site of the intron after coding-DNA position 4643, T replaced by G.
Molecular consequence: splice donor variant.
Genome position (GRCh38, 1-based): chr5:37,014,767, T>G. VCF-style: chr5-37014767-T-G. GRCh37 (hg19) VCF-style: chr5-37014869-T-G.
Other names: c.4643+2T>G (NM_015384.5).
Identifiers: ClinVar variation 3899452 (VCV003899452.1).

ClinVar aggregate classification (germline): Likely pathogenic (1 of 4 stars; one submission).

Submission:

GeneDx
Classification: Likely pathogenic. Last evaluated: 2024-11-14. Review status: criteria provided, single submitter. Criteria: GeneDx Variant Classification Process June 2021. Collection method: clinical testing. Allele origin: germline. Affected: yes.
Comment: Reported in association with Cornelia de Lange syndrome in published literature; however, patient clinical information not provided (PMID: 17221863); Canonical splice site variant predicted to result in a null allele in a gene for which loss of function is a known mechanism of disease; Not observed at significant frequency in large population cohorts (gnomAD); This variant is associated with the following publications: (PMID: 25525159, 17221863)